The following is an entry in ClinVar:

NM_002351.5(SH2D1A):c.245dup (p.Asn82fs)

Gene: SH2D1A (SH2 domain containing 1A; plus strand). Cytogenetic location: Xq25.
Variant type: Duplication.
Coding change: c.245dup on transcript NM_002351.5 (MANE Select); coding-DNA position 245, one base duplicated (A; older notation c.245dupA).
Protein change: p.Asn82fs; shifts the reading frame from asparagine 82.
Molecular consequence: frameshift variant.
Genome position (GRCh38, 1-based): chrX:124,370,219, A duplicated; the last of 6 consecutive A bases (chrX:124,370,214-124,370,219); duplicating any one gives the same sequence. VCF-style (leftmost placement, unchanged base first): chrX-124370213-T-TA. GRCh37 (hg19) VCF-style: chrX-123504063-T-TA.
Other names: c.245dup, p.Asn82fs (NM_001114937.3); short protein forms N82fs.
Identifiers: ClinVar variation 1459603 (VCV001459603.9), dbSNP rs2147534047, ClinGen allele CA2573159233.

ClinVar aggregate classification (germline): Pathogenic. Review status: criteria provided, multiple submitters, no conflicts (2 of 4 stars). 2 submissions from 2 submitters: Pathogenic (2). Last evaluated 2024-09-03.

Conditions:
SH2D1A-related disorder. Also called: SH2D1A-related condition.
X-linked lymphoproliferative disease due to SH2D1A deficiency (XLP1). Also called: DUNCAN DISEASE; EBV infection severe susceptibility to; Epstein Barr virus infection familial fatal; Duncan's syndrome; IMMUNODEFICIENCY 5; IMMUNODEFICIENCY, X-LINKED PROGRESSIVE COMBINED VARIABLE. Identifiers: Orphanet 2442, Orphanet 538931, MedGen C5399825, MONDO:0024551, OMIM 308240.

Submissions (2):

Labcorp Genetics (formerly Invitae), Labcorp
Classification: Pathogenic for X-linked lymphoproliferative disease due to SH2D1A deficiency. Last evaluated: 2024-09-03. Review status: criteria provided, single submitter. Criteria: Invitae Variant Classification Sherloc (09022015). Collection method: clinical testing. Allele origin: germline.
Comment: This sequence change creates a premature translational stop signal (p.Asn82Lysfs*22) in the SH2D1A gene. While this is not anticipated to result in nonsense mediated decay, it is expected to disrupt the last 47 amino acid(s) of the SH2D1A protein. This variant is not present in population databases (gnomAD no frequency). This premature translational stop signal has been observed in individual(s) with X-linked lymphoproliferative syndrome (PMID: 20632414; internal data). This variant is also known as g.23917insA. ClinVar contains an entry for this variant (Variation ID: 1459603). Algorithms developed to predict the effect of sequence changes on RNA splicing suggest that this variant may create or strengthen a splice site. This variant disrupts a region of the SH2D1A protein in which other variant(s) (p.Gly93Asp) have been observed in individuals with SH2D1A-related conditions (PMID: 28816794). This suggests that this is a clinically significant region of the protein, and that variants that disrupt it are likely to be disease-causing. For these reasons, this variant has been classified as Pathogenic.

Blueprint Genetics
Classification: Pathogenic for SH2D1A-related disorders. Last evaluated: 2021-08-01. Review status: criteria provided, single submitter. Criteria: ACMG Guidelines, 2015. Collection method: clinical testing. Allele origin: germline. Affected: yes. Observed: 1 variant allele.

Literature cited by the submitters: PubMed 20632414 (cited by Labcorp Genetics (formerly Invitae), Labcorp); PubMed 28816794 (cited by Labcorp Genetics (formerly Invitae), Labcorp).